The following is an entry in ClinVar:

NM_032447.5(FBN3):c.3211+3C>G

Gene: FBN3 (fibrillin 3; minus strand). Cytogenetic location: 19p13.2.
Variant type: single nucleotide variant.
Coding change: c.3211+3C>G on transcript NM_032447.5 (MANE Select); 3 bases into the intron after coding-DNA position 3211, C replaced by G.
Molecular consequence: intron variant.
Genome position (GRCh38, 1-based): chr19:8,121,255, G>C on the plus strand (C>G on the coding strand, the complement: FBN3 is on the minus strand). VCF-style: chr19-8121255-G-C. GRCh37 (hg19) VCF-style: chr19-8186139-G-C.
Other names: c.3211+3C>G (NM_001321431.2).
Identifiers: ClinVar variation 2159951 (VCV002159951.4), dbSNP rs376637852, ClinGen allele CA9152539.

ClinVar aggregate classification (germline): Uncertain significance (1 of 4 stars; one submission).

gnomAD v4.1: 6 of 1,594,114 alleles (0.00038%); highest among the groups gnomAD compares: South Asian, 0.0045%; no homozygotes.

Submission:

Labcorp Genetics (formerly Invitae), Labcorp
Classification: Uncertain significance. Last evaluated: 2022-07-06. Review status: criteria provided, single submitter. Criteria: Invitae Variant Classification Sherloc (09022015). Collection method: clinical testing. Allele origin: germline.
Comment: In summary, the available evidence is currently insufficient to determine the role of this variant in disease. Therefore, it has been classified as a Variant of Uncertain Significance. Variants that disrupt the consensus splice site are a relatively common cause of aberrant splicing (PMID: 17576681, 9536098). Algorithms developed to predict the effect of sequence changes on RNA splicing suggest that this variant is not likely to affect RNA splicing. This variant has not been reported in the literature in individuals affected with FBN3-related conditions. This variant is present in population databases (rs376637852, gnomAD 0.007%). This sequence change falls in intron 25 of the FBN3 gene. It does not directly change the encoded amino acid sequence of the FBN3 protein. It affects a nucleotide within the consensus splice site.

Literature cited by the submitters: PubMed 17576681; PubMed 9536098.